The following is an entry in ClinVar:

NM_025132.4(WDR19):c.1942G>A (p.Glu648Lys)

Gene: WDR19 (WD repeat domain 19; plus strand). Cytogenetic location: 4p14.
Variant type: single nucleotide variant.
Coding change: c.1942G>A on transcript NM_025132.4 (MANE Select); coding-DNA position 1942, G replaced by A.
Protein change: p.Glu648Lys; replaces glutamic acid 648 with lysine.
Molecular consequence: missense variant.
Genome position (GRCh38, 1-based): chr4:39,228,650, G>A. VCF-style: chr4-39228650-G-A. GRCh37 (hg19) VCF-style: chr4-39230270-G-A.
Other names: c.1462G>A, p.Glu488Lys (NM_001317924.2); c.1942G>A (NM_025132.3); short protein forms E488K, E648K.
Identifiers: ClinVar variation 1062377 (VCV001062377.7), dbSNP rs377367588, ClinGen allele CA2891971.
Genomic context (GRCh38, chr4:39,228,650, plus strand): 5'-AACAACATCTACCTTAGCACCCATGGCTTTCTCAGCAACTTAAAAGATACGGGGCCTGAC[G>A]AACTGAGACCAATGCTGGCACAGAATTTAATGCTAAAGAGGTAGGCTTTCACACACTTCT-3'
Protein context (NP_079408.3, residues 638-658): LSNLKDTGPD[Glu648Lys]LRPMLAQNLM

ClinVar aggregate classification (germline): Uncertain significance. Review status: criteria provided, multiple submitters, no conflicts (2 of 4 stars). 3 submissions from 3 submitters: Uncertain significance (3). Last evaluated 2026-01-27.

Conditions:
Senior-Loken syndrome 8 (SLSN8). Identifiers: Orphanet 3156, MedGen C4225376, MONDO:0014579, OMIM 616307.
Asphyxiating thoracic dystrophy 5 (SRTD5). Also called: SHORT-RIB THORACIC DYSPLASIA 5 WITH OR WITHOUT POLYDACTYLY; SHORT-RIB THORACIC DYSPLASIA 5 WITHOUT POLYDACTYLY. Identifiers: Orphanet 474, MedGen C3280598, MONDO:0013717, OMIM 614376.
Inborn genetic diseases. Identifiers: MedGen C0950123, MeSH D030342.

Allele frequency attached by ClinVar (database versions not stated): ExAC 0.00003; gnomAD exomes 0.00003; TOPMed 0.00003; gnomAD 0.00004 and 0.00005; ESP Exome Variant Server 0.00017.

Submissions (3):

GeneDx
Classification: Uncertain significance. Last evaluated: 2026-01-27. Review status: criteria provided, single submitter. Criteria: GeneDx Variant Classification Process June 2021. Collection method: clinical testing. Allele origin: germline.
Comment: In silico analysis suggests that this missense variant does not alter protein structure/function; Has not been previously published as pathogenic or benign to our knowledge

Ambry Genetics
Classification: Uncertain significance for Inborn genetic diseases. Last evaluated: 2025-01-29. Review status: criteria provided, single submitter. Criteria: Ambry Variant Classification Scheme 2023. Collection method: clinical testing. Allele origin: germline.

Labcorp Genetics (formerly Invitae), Labcorp
Classification: Uncertain significance for Senior-Loken syndrome 8; Asphyxiating thoracic dystrophy 5. Last evaluated: 2024-12-02. Review status: criteria provided, single submitter. Criteria: Invitae Variant Classification Sherloc (09022015). Collection method: clinical testing. Allele origin: germline.
Comment: This sequence change replaces glutamic acid, which is acidic and polar, with lysine, which is basic and polar, at codon 648 of the WDR19 protein (p.Glu648Lys). This variant is present in population databases (rs377367588, gnomAD 0.008%). This variant has not been reported in the literature in individuals affected with WDR19-related conditions. ClinVar contains an entry for this variant (Variation ID: 1062377). Invitae Evidence Modeling of protein sequence and biophysical properties (such as structural, functional, and spatial information, amino acid conservation, physicochemical variation, residue mobility, and thermodynamic stability) indicates that this missense variant is not expected to disrupt WDR19 protein function with a negative predictive value of 80%. In summary, the available evidence is currently insufficient to determine the role of this variant in disease. Therefore, it has been classified as a Variant of Uncertain Significance.